The following is an entry in ClinVar:

ClinVar aggregate classification (germline): Uncertain significance (1 of 4 stars; one submission).

Allele frequency attached by ClinVar (database versions not stated): gnomAD exomes below 0.00001 and 0.00001; ExAC 0.00001; gnomAD 0.00002 and 0.00003; TOPMed 0.00003.
gnomAD v4.1: 8 of 1,613,398 alleles (0.0005%); highest among the groups gnomAD compares: Admixed American, 0.0033%; no homozygotes.

Submission:

Labcorp Genetics (formerly Invitae), Labcorp
Classification: Uncertain significance. Last evaluated: 2025-11-15. Review status: criteria provided, single submitter. Criteria: Invitae Variant Classification Sherloc (09022015). Collection method: clinical testing. Allele origin: germline.
Comment: This sequence change replaces isoleucine, which is neutral and non-polar, with threonine, which is neutral and polar, at codon 133 of the SUCO protein (p.Ile133Thr). This variant is present in population databases (rs762416899, gnomAD 0.004%). This variant has not been reported in the literature in individuals affected with SUCO-related conditions. ClinVar contains an entry for this variant (Variation ID: 1412172). An algorithm developed to predict the effect of missense changes on protein structure and function outputs the following: PolyPhen-2: "Benign". The threonine amino acid residue is found in multiple mammalian species, which suggests that this missense change does not adversely affect protein function. In summary, the available evidence is currently insufficient to determine the role of this variant in disease. Therefore, it has been classified as a Variant of Uncertain Significance.

NM_014283.5(SUCO):c.398T>C (p.Ile133Thr)

Gene: SUCO (SUN domain containing ossification factor; plus strand). Cytogenetic location: 1q24.3.
Variant type: single nucleotide variant.
Coding change: c.398T>C on transcript NM_014283.5 (MANE Select); coding-DNA position 398, T replaced by C.
Protein change: p.Ile133Thr; replaces isoleucine 133 with threonine.
Molecular consequence: missense variant. On other transcripts: 5 prime UTR variant (1).
Genome position (GRCh38, 1-based): chr1:172,555,978, T>C. VCF-style: chr1-172555978-T-C. GRCh37 (hg19) VCF-style: chr1-172525118-T-C.
Other names: c.287T>C, p.Ile96Thr (NM_001282750.2); c.-1132T>C (NM_001282751.2); c.872T>C, p.Ile291Thr (NM_016227.4); short protein forms I291T, I133T, I96T.
Identifiers: ClinVar variation 1412172 (VCV001412172.6), dbSNP rs762416899, ClinGen allele CA1246541.
Genomic context (GRCh38, chr1:172,555,978, plus strand): 5'-CAGTTGATTTGCATGAAGAGTCTTCCAATGCAGTTGTGGACAGTGAAACTGTTGAAAATA[T>C]TTCCAGCTCATCTACCTCAGAAATCACTCCAATCTCAAAGCTTGAGTAAGTTGTTACAAA-3'
Protein context (NP_055098.1, residues 123-143): AVVDSETVEN[Ile133Thr]SSSSTSEITP